The following is an entry in ClinVar:

ClinVar aggregate classification (germline): Uncertain significance (1 of 4 stars; one submission).

gnomAD v4.1: 3 of 1,614,006 alleles (0.00019%); highest among the groups gnomAD compares: Non-Finnish European, 0.00025%; no homozygotes.

Submission:

Labcorp Genetics (formerly Invitae), Labcorp
Classification: Uncertain significance. Last evaluated: 2020-05-21. Review status: criteria provided, single submitter. Criteria: Invitae Variant Classification Sherloc (09022015). Collection method: clinical testing. Allele origin: germline.
Comment: In summary, the available evidence is currently insufficient to determine the role of this variant in disease. Therefore, it has been classified as a Variant of Uncertain Significance. Algorithms developed to predict the effect of missense changes on protein structure and function are either unavailable or do not agree on the potential impact of this missense change (SIFT: "Deleterious"; PolyPhen-2: "Benign"; Align-GVGD: "Class C0"). This variant has not been reported in the literature in individuals with SCN3A-related conditions. This variant is not present in population databases (ExAC no frequency). This sequence change replaces asparagine with lysine at codon 1379 of the SCN3A protein (p.Asn1379Lys). The asparagine residue is moderately conserved and there is a moderate physicochemical difference between asparagine and lysine.

NM_006922.4(SCN3A):c.4137C>G (p.Asn1379Lys)

Gene: SCN3A (sodium voltage-gated channel alpha subunit 3; minus strand). Cytogenetic location: 2q24.3.
Variant type: single nucleotide variant.
Coding change: c.4137C>G on transcript NM_006922.4 (MANE Select); coding-DNA position 4137, C replaced by G.
Protein change: p.Asn1379Lys; replaces asparagine 1379 with lysine.
Molecular consequence: missense variant.
Genome position (GRCh38, 1-based): chr2:165,097,354, G>C on the plus strand (C>G on the coding strand, the complement: SCN3A is on the minus strand). VCF-style: chr2-165097354-G-C. GRCh37 (hg19) VCF-style: chr2-165953864-G-C.
Other names: c.3990C>G, p.Asn1330Lys (NM_001081676.2, NM_001081677.2); short protein forms N1330K, N1379K.
Identifiers: ClinVar variation 1021798 (VCV001021798.8), dbSNP rs1184787157, ClinGen allele CA349025498.